The following is an entry in ClinVar:

ClinVar aggregate classification (germline): Uncertain significance (1 of 4 stars; one submission).

Conditions:
Fanconi anemia complementation group Q. Identifiers: Orphanet 84, MedGen C3808988, MONDO:0014108, OMIM 615272.
Xeroderma pigmentosum, group F (XPF). Also called: XERODERMA PIGMENTOSUM VI; XP, GROUP F; XERODERMA PIGMENTOSUM, COMPLEMENTATION GROUP F; XERODERMA PIGMENTOSUM, TYPE F; Xeroderma pigmentosum, type 6; ERCC4-Related Xeroderma Pigmentosum. Identifiers: MedGen C0268140, MONDO:0010215, OMIM 278760.
Cockayne syndrome. Identifiers: Orphanet 191, MedGen C0009207, MONDO:0016006.

Allele frequency attached by ClinVar (database versions not stated): ExAC 0.00001; gnomAD exomes 0.00001.
gnomAD v4.1: 18 of 1,605,012 alleles (0.0011%); highest among the groups gnomAD compares: Middle Eastern, 0.017%; no homozygotes.

Submission:

Labcorp Genetics (formerly Invitae), Labcorp
Classification: Uncertain significance for Fanconi anemia complementation group Q; Xeroderma pigmentosum, group F; Cockayne syndrome. Last evaluated: 2022-07-27. Review status: criteria provided, single submitter. Criteria: Invitae Variant Classification Sherloc (09022015). Collection method: clinical testing. Allele origin: germline.
Comment: This sequence change replaces alanine, which is neutral and non-polar, with glycine, which is neutral and non-polar, at codon 41 of the ERCC4 protein (p.Ala41Gly). This variant is present in population databases (rs751095195, gnomAD 0.002%). This variant has not been reported in the literature in individuals affected with ERCC4-related conditions. ClinVar contains an entry for this variant (Variation ID: 933259). Algorithms developed to predict the effect of missense changes on protein structure and function (SIFT, PolyPhen-2, Align-GVGD) all suggest that this variant is likely to be tolerated. In summary, the available evidence is currently insufficient to determine the role of this variant in disease. Therefore, it has been classified as a Variant of Uncertain Significance.

NM_005236.3(ERCC4):c.122C>G (p.Ala41Gly)

Genes: ERCC4 (ERCC excision repair 4, endonuclease catalytic subunit; plus strand), LOC130058543 (ATAC-STARR-seq lymphoblastoid active region 10486; plus strand). Cytogenetic location: 16p13.12.
Variant type: single nucleotide variant.
Coding change: c.122C>G on transcript NM_005236.3 (MANE Select); coding-DNA position 122, C replaced by G.
Protein change: p.Ala41Gly; replaces alanine 41 with glycine.
Molecular consequence: missense variant.
Genome position (GRCh38, 1-based): chr16:13,920,287, C>G. VCF-style: chr16-13920287-C-G. GRCh37 (hg19) VCF-style: chr16-14014144-C-G.
Other names: short protein forms A41G.
Identifiers: ClinVar variation 933259 (VCV000933259.10), dbSNP rs751095195, ClinGen allele CA7910090.